The following is an entry in ClinVar:

ClinVar aggregate classification (germline): Uncertain significance. Review status: criteria provided, multiple submitters, no conflicts (2 of 4 stars). 2 submissions from 2 submitters: Uncertain significance (2). Last evaluated 2026-08-05.

Conditions:
Hereditary cancer-predisposing syndrome. Also called: Tumor predisposition; Hereditary Cancer Syndrome; Hereditary neoplastic syndrome; Neoplastic Syndromes, Hereditary. Identifiers: Orphanet 140162, MedGen C0027672, MeSH D009386, MONDO:0015356.

Allele frequency attached by ClinVar (database versions not stated): gnomAD exomes below 0.00001; TOPMed below 0.00001.
gnomAD v4.1: 1 of 1,612,738 alleles (0.000062%); highest among the groups gnomAD compares: East Asian, 0.0022%; no homozygotes.

Submissions (2):

Ambry Genetics
Classification: Uncertain significance for Hereditary cancer-predisposing syndrome. Last evaluated: 2026-08-05. Review status: criteria provided, single submitter. Criteria: Ambry Variant Classification Scheme 2023. Collection method: clinical testing. Allele origin: germline.
Comment: The p.E70G variant (also known as c.209A>G), located in coding exon 3 of the POLE gene, results from an A to G substitution at nucleotide position 209. The glutamic acid at codon 70 is replaced by glycine, an amino acid with similar properties. This amino acid position is conserved. In addition, the in silico prediction for this alteration is inconclusive. Based on the available evidence, the clinical significance of this variant remains unclear.

Labcorp Genetics (formerly Invitae), Labcorp
Classification: Uncertain significance. Last evaluated: 2024-05-15. Review status: criteria provided, single submitter. Criteria: Invitae Variant Classification Sherloc (09022015). Collection method: clinical testing. Allele origin: germline.
Comment: This sequence change replaces glutamic acid, which is acidic and polar, with glycine, which is neutral and non-polar, at codon 70 of the POLE protein (p.Glu70Gly). This variant is not present in population databases (gnomAD no frequency). This variant has not been reported in the literature in individuals affected with POLE-related conditions. ClinVar contains an entry for this variant (Variation ID: 2134157). Advanced modeling of protein sequence and biophysical properties (such as structural, functional, and spatial information, amino acid conservation, physicochemical variation, residue mobility, and thermodynamic stability) has been performed at Invitae for this missense variant, however the output from this modeling did not meet the statistical confidence thresholds required to predict the impact of this variant on POLE protein function. In summary, the available evidence is currently insufficient to determine the role of this variant in disease. Therefore, it has been classified as a Variant of Uncertain Significance.

NM_006231.4(POLE):c.209A>G (p.Glu70Gly)

Gene: POLE (DNA polymerase epsilon, catalytic subunit; minus strand). Cytogenetic location: 12q24.33.
Variant type: single nucleotide variant.
Coding change: c.209A>G on transcript NM_006231.4 (MANE Select); coding-DNA position 209, A replaced by G.
Protein change: p.Glu70Gly; replaces glutamic acid 70 with glycine.
Molecular consequence: missense variant.
Genome position (GRCh38, 1-based): chr12:132,680,683, T>C on the plus strand (A>G on the coding strand, the complement: POLE is on the minus strand). VCF-style: chr12-132680683-T-C. GRCh37 (hg19) VCF-style: chr12-133257269-T-C.
Other names: c.209A>G (NM_006231.2); short protein forms E70G.
Identifiers: ClinVar variation 2134157 (VCV002134157.5), dbSNP rs2043147985, ClinGen allele CA387369434.